The following is an entry in ClinVar:

NM_005267.5(GJA8):c.426G>C (p.Arg142=)

Gene: GJA8 (gap junction protein alpha 8; plus strand). Cytogenetic location: 1q21.2.
Variant type: single nucleotide variant.
Coding change: c.426G>C on transcript NM_005267.5 (MANE Select); coding-DNA position 426, G replaced by C.
Protein change: p.Arg142=; no amino-acid change (arginine 142 retained).
Molecular consequence: synonymous variant.
Genome position (GRCh38, 1-based): chr1:147,908,381, G>C. VCF-style: chr1-147908381-G-C. GRCh37 (hg19) VCF-style: chr1-147380508-G-C.
Identifiers: ClinVar variation 3032208 (VCV003032208.2), dbSNP rs782313023, ClinGen allele CA420607034.

ClinVar aggregate classification (germline): Likely benign (0 of 4 stars; one submission).

Conditions:
GJA8-related disorder. Also called: GJA8-related condition.

gnomAD v4.1: 2 of 1,614,200 alleles (0.00012%); highest among the groups gnomAD compares: Non-Finnish European, 0.00017%; no homozygotes.

Submission:

PreventionGenetics, part of Exact Sciences
Classification: Likely benign for GJA8-related condition. Last evaluated: 2023-04-21. Review status: no assertion criteria provided. Collection method: clinical testing. Allele origin: germline.
Comment: This variant is classified as likely benign based on ACMG/AMP sequence variant interpretation guidelines (Richards et al. 2015 PMID: 25741868, with internal and published modifications).